The following is an entry in ClinVar:

NM_080916.3(DGUOK):c.498G>A (p.Trp166Ter)

Gene: DGUOK (deoxyguanosine kinase; plus strand). Cytogenetic location: 2p13.1.
Variant type: single nucleotide variant.
Coding change: c.498G>A on transcript NM_080916.3 (MANE Select); coding-DNA position 498, G replaced by A.
Protein change: p.Trp166Ter; replaces tryptophan 166 with a stop codon.
Molecular consequence: nonsense. On other transcripts: non-coding transcript variant (2), intron variant (2).
Genome position (GRCh38, 1-based): chr2:73,950,639, G>A. VCF-style: chr2-73950639-G-A. GRCh37 (hg19) VCF-style: chr2-74177766-G-A.
Other names: c.207G>A, p.Trp69Ter (NM_001318860.2, NM_001318861.2); c.189G>A, p.Trp63Ter (NM_001318862.2, NM_001318863.2); c.443+3733G>A (NM_080918.3); c.425+3751G>A (NM_001318859.2); short protein forms W166*, W63*, W69*.
Identifiers: ClinVar variation 2853002 (VCV002853002.3), dbSNP rs2467049358, ClinGen allele CA347300169.

ClinVar aggregate classification (germline): Pathogenic (1 of 4 stars; one submission).

Allele frequency attached by ClinVar (database versions not stated): gnomAD exomes below 0.00001.
gnomAD v4.1: 2 of 1,614,076 alleles (0.00012%); highest among the groups gnomAD compares: Non-Finnish European, 0.000085%; no homozygotes.

Submission:

Labcorp Genetics (formerly Invitae), Labcorp
Classification: Pathogenic. Last evaluated: 2023-04-19. Review status: criteria provided, single submitter. Criteria: Invitae Variant Classification Sherloc (09022015). Collection method: clinical testing. Allele origin: germline.
Comment: This sequence change creates a premature translational stop signal (p.Trp166*) in the DGUOK gene. It is expected to result in an absent or disrupted protein product. Loss-of-function variants in DGUOK are known to be pathogenic (PMID: 18205204). This variant is not present in population databases (gnomAD no frequency). This variant has not been reported in the literature in individuals affected with DGUOK-related conditions. Algorithms developed to predict the effect of sequence changes on RNA splicing suggest that this variant may disrupt the consensus splice site. For these reasons, this variant has been classified as Pathogenic.

Literature cited by the submitters: PubMed 18205204.